The following is an entry in ClinVar:

ClinVar aggregate classification (germline): Pathogenic. Review status: criteria provided, multiple submitters, no conflicts (2 of 4 stars). 8 submissions from 8 submitters: Pathogenic (5). 3 of the submissions do not count toward it. Last evaluated 2025-01-23.

Conditions:
Glycogen storage disease, type V (GSD5). Also called: MCARDLE DISEASE; MUSCLE GLYCOGEN PHOSPHORYLASE DEFICIENCY; MYOPHOSPHORYLASE DEFICIENCY; PYGM DEFICIENCY; McArdle type glycogen storage disease. Identifiers: Orphanet 368, MedGen C0017924, MONDO:0009293, OMIM 232600.

Allele frequency attached by ClinVar (database versions not stated): gnomAD exomes 0.00001; TOPMed 0.00001; ExAC 0.00002.
gnomAD v4.1: 5 of 1,614,084 alleles (0.00031%); highest among the groups gnomAD compares: Admixed American, 0.0017%; no homozygotes.

Submissions (8):

Natera, Inc.
Classification: Pathogenic for Glycogen storage disease V. Last evaluated: 2025-01-23. Review status: criteria provided, single submitter. Criteria: Natera Variant Classification Schema (03/2026). Collection method: clinical testing. Allele origin: germline.
Comment: The c.1827G>A variant in PYGM is a synonymous variant that does not alter the encoded amino acid at position 609 (p.K609=). This variant is rare in the general population with a frequency below the threshold expected for the associated phenotype(s). This variant has been observed in one or more individuals affected with the associated recessive disease, as either homozygous or compound heterozygous with a second variant (PMID: 32735634, 29143597, 17221871). Functional studies show that this variant may disrupt protein function (PMID: 14638972). Computational prediction algorithms indicate this variant is likely to affect gene or protein function. Given the available evidence, this variant is classified as Pathogenic.

Labcorp Genetics (formerly Invitae), Labcorp
Classification: Pathogenic for Glycogen storage disease, type V. Last evaluated: 2024-12-04. Review status: criteria provided, single submitter. Criteria: Invitae Variant Classification Sherloc (09022015). Collection method: clinical testing. Allele origin: germline.
Comment: This sequence change affects codon 609 of the PYGM mRNA. It is a 'silent' change, meaning that it does not change the encoded amino acid sequence of the PYGM protein. This variant also falls at the last nucleotide of exon 15, which is part of the consensus splice site for this exon. This variant is present in population databases (rs119103259, gnomAD 0.003%). This variant has been observed in individual(s) with McArdle disease (PMID: 12929201, 23653251). In at least one individual the data is consistent with being in trans (on the opposite chromosome) from a pathogenic variant. It has also been observed to segregate with disease in related individuals. ClinVar contains an entry for this variant (Variation ID: 2313). Variants that disrupt the consensus splice site are a relatively common cause of aberrant splicing (PMID: 17576681, 9536098). Algorithms developed to predict the effect of sequence changes on RNA splicing suggest that this variant may disrupt the consensus splice site. For these reasons, this variant has been classified as Pathogenic.

Baylor Genetics
Classification: Pathogenic for Glycogen storage disease, type V. Last evaluated: 2024-02-29. Review status: criteria provided, single submitter. Criteria: ACMG Guidelines, 2015. Collection method: clinical testing. Allele origin: unknown.

Fulgent Genetics
Classification: Pathogenic for Glycogen storage disease, type V. Last evaluated: 2024-01-05. Review status: criteria provided, single submitter. Criteria: ACMG Guidelines, 2015. Collection method: clinical testing. Allele origin: germline.

Laboratorio de Genetica e Diagnostico Molecular, Hospital Israelita Albert Einstein
Classification: Pathogenic. Last evaluated: 2020-06-24. Review status: criteria provided, single submitter. Criteria: ACMG Guidelines, 2015. Collection method: clinical testing. Allele origin: germline. Affected: yes.
Comment: ACMG classification criteria: PS3, PS4, PM2, PM3, PP4

Counsyl
Classification: Likely pathogenic for Glycogen storage disease, type V. Last evaluated: 2016-09-20. Review status: no assertion criteria provided. Collection method: clinical testing. Allele origin: unknown. Not counted in ClinVar's aggregate classification.

OMIM
Classification: Pathogenic for MCARDLE DISEASE. Last evaluated: 2003-11-25. Review status: no assertion criteria provided. Collection method: literature only. Allele origin: germline. Not counted in ClinVar's aggregate classification.

GeneReviews
No classification provided. Condition: Glycogen storage disease, type V. Review status: no classification provided. Collection method: literature only. Allele origin: germline. Affected: yes. Not counted in ClinVar's aggregate classification.

Literature cited by the submitters: PubMed 32735634 (cited by Natera, Inc.); PubMed 29143597 (cited by Natera, Inc.); PubMed 17221871 (cited by Natera, Inc.); PubMed 14638972 (cited by 4 submitters); PubMed 12929201 (cited by Labcorp Genetics (formerly Invitae), Labcorp and Counsyl); PubMed 23653251 (cited by Labcorp Genetics (formerly Invitae), Labcorp and Counsyl); PubMed 17576681 (cited by Labcorp Genetics (formerly Invitae), Labcorp); PubMed 9536098 (cited by Labcorp Genetics (formerly Invitae), Labcorp); PubMed 17324573 (cited by Counsyl); PubMed 22250184 (cited by Counsyl).

NM_005609.4(PYGM):c.1827G>A (p.Lys609=)

Gene: PYGM (glycogen phosphorylase, muscle associated; minus strand). Cytogenetic location: 11q13.1.
Variant type: single nucleotide variant.
Coding change: c.1827G>A on transcript NM_005609.4 (MANE Select); coding-DNA position 1827, G replaced by A.
Protein change: p.Lys609=; no amino-acid change (lysine 609 retained).
Molecular consequence: synonymous variant.
Genome position (GRCh38, 1-based): chr11:64,751,597, C>T on the plus strand (G>A on the coding strand, the complement: PYGM is on the minus strand). VCF-style: chr11-64751597-C-T. GRCh37 (hg19) VCF-style: chr11-64519069-C-T.
Other names: K608K; c.1563G>A, p.Lys521= (NM_001164716.1).
Identifiers: ClinVar variation 2313 (VCV000002313.18), dbSNP rs119103259, ClinGen allele CA339964.
Genomic context (GRCh38, chr11:64,751,597, plus strand): 5'-CTGACCTCAACCTGGATATATCAAAGGACGGGAGCCCAGGGCTGGAGCCTGGCTTCTCAC[C>T]TTCCCTCCAATCATCACAGTCCGAGGCACAAAAAACTTATTGGGCTCCCTCTTGATGCCT-3'
Protein context (NP_005600.1, residues 599-619): FVPRTVMIGG[Lys609=]AAPGYHMAKM